The following is an entry in ClinVar:

NM_000377.3(WAS):c.530T>G (p.Leu177Arg)

Gene: WAS (WASP actin nucleation promoting factor; plus strand). Cytogenetic location: Xp11.23.
Variant type: single nucleotide variant.
Coding change: c.530T>G on transcript NM_000377.3 (MANE Select); coding-DNA position 530, T replaced by G.
Protein change: p.Leu177Arg; replaces leucine 177 with arginine.
Molecular consequence: missense variant.
Genome position (GRCh38, 1-based): chrX:48,686,105, T>G. VCF-style: chrX-48686105-T-G. GRCh37 (hg19) VCF-style: chrX-48544494-T-G.
Other names: short protein forms L177R.
Identifiers: ClinVar variation 2953371 (VCV002953371.3), dbSNP rs2519281923, ClinGen allele CA412869312.

ClinVar aggregate classification (germline): Uncertain significance (1 of 4 stars; one submission).

Conditions:
Thrombocytopenia 1. Also called: X-Linked Thrombocytopenia (XLT); X-linked thrombocytopenia with normal platelets; THROMBOCYTOPENIA, X-LINKED, 1. Identifiers: Orphanet 268322, Orphanet 852, MedGen C1839163, MONDO:0010743, OMIM 313900.
Wiskott-Aldrich syndrome (WAS). Also called: WISKOTT-ALDRICH SYNDROME 1; ALDRICH SYNDROME; IMMUNODEFICIENCY 2; Wiskott-aldrich syndrome, somatic. Identifiers: Orphanet 906, MedGen C0043194, MONDO:0010518, OMIM 301000.
X-linked severe congenital neutropenia (SCNX). Identifiers: Orphanet 86788, MedGen C1845987, MONDO:0010294, OMIM 300299.

Submission:

Labcorp Genetics (formerly Invitae), Labcorp
Classification: Uncertain significance for Wiskott-Aldrich syndrome; X-linked severe congenital neutropenia; Thrombocytopenia 1. Last evaluated: 2025-05-07. Review status: criteria provided, single submitter. Criteria: Invitae Variant Classification Sherloc (09022015). Collection method: clinical testing. Allele origin: germline.
Comment: This sequence change replaces leucine, which is neutral and non-polar, with arginine, which is basic and polar, at codon 177 of the WAS protein (p.Leu177Arg). This variant is not present in population databases (gnomAD no frequency). This variant has not been reported in the literature in individuals affected with WAS-related conditions. ClinVar contains an entry for this variant (Variation ID: 2953371). Invitae Evidence Modeling of protein sequence and biophysical properties (such as structural, functional, and spatial information, amino acid conservation, physicochemical variation, residue mobility, and thermodynamic stability) indicates that this missense variant is not expected to disrupt WAS protein function with a negative predictive value of 80%. In summary, the available evidence is currently insufficient to determine the role of this variant in disease. Therefore, it has been classified as a Variant of Uncertain Significance.